The following is an entry in ClinVar:

NM_030578.4(B9D2):c.224G>A (p.Arg75Gln)

Gene: B9D2 (B9 domain containing 2; minus strand). Cytogenetic location: 19q13.2.
Variant type: single nucleotide variant.
Coding change: c.224G>A on transcript NM_030578.4 (MANE Select); coding-DNA position 224, G replaced by A.
Protein change: p.Arg75Gln; replaces arginine 75 with glutamine.
Molecular consequence: missense variant.
Genome position (GRCh38, 1-based): chr19:41,355,004, C>T on the plus strand (G>A on the coding strand, the complement: B9D2 is on the minus strand). VCF-style: chr19-41355004-C-T. GRCh37 (hg19) VCF-style: chr19-41860909-C-T.
Other names: short protein forms R75Q.
Identifiers: ClinVar variation 1970648 (VCV001970648.10), dbSNP rs148087680, ClinGen allele CA9460301.

ClinVar aggregate classification (germline): Conflicting classifications of pathogenicity. Review status: criteria provided, conflicting classifications (1 of 4 stars). 4 submissions from 4 submitters: Uncertain significance (1); Benign (1); Likely benign (1). 1 of the submissions does not count toward it. Last evaluated 2026-02-01.

Conditions:
B9D2-related disorder. Also called: B9D2-related condition.
Ciliopathy. Also called: Ciliopathies. Identifiers: Orphanet 363250, MedGen C4277690, MONDO:0005308, MeSH D000072661.
Meckel-Gruber syndrome. Also called: Dysencephalia splachnocystica; DYSENCEPHALIA SPLANCHNOCYSTICA; GRUBER SYNDROME. Identifiers: Orphanet 564, MedGen C0265215, MONDO:0018921.
Joubert syndrome. Also called: Familial aplasia of the vermis; JOUBERT-BOLTSHAUSER SYNDROME. Identifiers: Orphanet 475, MedGen C5979921, MONDO:0018772.

Allele frequency attached by ClinVar (database versions not stated): TOPMed 0.00013 and 0.00014; gnomAD 0.00014 and 0.00016; gnomAD exomes 0.00019 and 0.00026; ExAC 0.00049; 1000 Genomes Project 30x 0.00078; 1000 Genomes Project 0.00100.

Submissions (5):

Labcorp Genetics (formerly Invitae), Labcorp
Classification: Likely benign for Joubert syndrome; Meckel-Gruber syndrome. Last evaluated: 2026-02-01. Review status: criteria provided, single submitter. Criteria: Invitae Variant Classification Sherloc (09022015). Collection method: clinical testing. Allele origin: germline.

Blueprint Genetics
Classification: Benign. Last evaluated: 2023-06-30. Review status: criteria provided, single submitter. Criteria: ACMG Guidelines, 2015. Collection method: clinical testing. Allele origin: germline.

Department of Pathology and Laboratory Medicine, Sinai Health System
Classification: Uncertain significance for ciliopathy. Last evaluated: 2022-04-01. Review status: criteria provided, single submitter. Criteria: ACMG Guidelines, 2015. Collection method: research. Allele origin: germline.

PreventionGenetics, part of Exact Sciences
Classification: Likely benign for B9D2-related condition. Last evaluated: 2022-03-06. Review status: no assertion criteria provided. Collection method: clinical testing. Allele origin: germline. Not counted in ClinVar's aggregate classification.
Comment: This variant is classified as likely benign based on ACMG/AMP sequence variant interpretation guidelines (Richards et al. 2015 PMID: 25741868, with internal and published modifications).

Dr. Peter K. Rogan Lab, Western University
No classification provided (evidence only). Condition: Malignant tumor of urinary bladder. Review status: no classification provided. Collection method: in vitro. Allele origin: not applicable. Functional consequence: retained intron. Not counted in ClinVar's aggregate classification.